The following is an entry in ClinVar:

ClinVar aggregate classification (germline): Uncertain significance (1 of 4 stars; one submission).

gnomAD v4.1: 1 of 1,614,086 alleles (0.000062%); highest among the groups gnomAD compares: Non-Finnish European, 0.000085%; no homozygotes.

Submission:

GeneDx
Classification: Uncertain significance. Last evaluated: 2026-02-10. Review status: criteria provided, single submitter. Criteria: GeneDx Variant Classification Process June 2021. Collection method: clinical testing. Allele origin: germline.
Comment: Not observed at significant frequency in large population cohorts (gnomAD); In silico analysis supports that this missense variant has a deleterious effect on protein structure/function; Has not been previously published as pathogenic or benign to our knowledge

NM_183357.3(ADCY5):c.1712A>G (p.His571Arg)

Gene: ADCY5 (adenylate cyclase 5; minus strand). Cytogenetic location: 3q21.1.
Variant type: single nucleotide variant.
Coding change: c.1712A>G on transcript NM_183357.3 (MANE Select); coding-DNA position 1712, A replaced by G.
Protein change: p.His571Arg; replaces histidine 571 with arginine.
Molecular consequence: missense variant.
Genome position (GRCh38, 1-based): chr3:123,328,737, T>C on the plus strand (A>G on the coding strand, the complement: ADCY5 is on the minus strand). VCF-style: chr3-123328737-T-C. GRCh37 (hg19) VCF-style: chr3-123047584-T-C.
Other names: c.662A>G, p.His221Arg (NM_001199642.1); c.1712A>G, p.His571Arg (NM_001378259.1); short protein forms H221R, H571R.
Identifiers: ClinVar variation 4976369 (VCV004976369.1).